The following is an entry in ClinVar:

ClinVar aggregate classification (germline): Uncertain significance (1 of 4 stars; one submission).

Conditions:
Primary ciliary dyskinesia. Also called: Ciliary dyskinesia. Identifiers: Orphanet 244, MedGen C0008780, MONDO:0016575, HP:0012265.

Submission:

Labcorp Genetics (formerly Invitae), Labcorp
Classification: Uncertain significance for Primary ciliary dyskinesia. Last evaluated: 2023-04-12. Review status: criteria provided, single submitter. Criteria: Invitae Variant Classification Sherloc (09022015). Collection method: clinical testing. Allele origin: germline.
Comment: Advanced modeling of protein sequence and biophysical properties (such as structural, functional, and spatial information, amino acid conservation, physicochemical variation, residue mobility, and thermodynamic stability) performed at Invitae indicates that this missense variant is not expected to disrupt RPGR protein function. This sequence change replaces glutamic acid, which is acidic and polar, with glycine, which is neutral and non-polar, at codon 696 of the RPGR protein (p.Glu696Gly). This variant is not present in population databases (gnomAD no frequency). This variant has not been reported in the literature in individuals affected with RPGR-related conditions. In summary, the available evidence is currently insufficient to determine the role of this variant in disease. Therefore, it has been classified as a Variant of Uncertain Significance.

NC_000023.11:g.38276591T>C

Gene: RPGR (retinitis pigmentosa GTPase regulator; minus strand). Cytogenetic location: Xp11.4.
Variant type: single nucleotide variant.
Molecular consequence: missense variant (on NM_000328.3). On other transcripts: non-coding transcript variant (6).
Genome position: GRCh38 VCF-style: chrX-38276591-T-C. GRCh37 (hg19) VCF-style: chrX-38135844-T-C.
Other names: c.2087A>G, p.Glu696Gly (NM_000328.3); c.2084A>G, p.Glu695Gly (NM_001367245.1); c.1901A>G, p.Glu634Gly (NM_001367246.1); c.1754A>G, p.Glu585Gly (NM_001367247.1); c.1784A>G, p.Glu595Gly (NM_001367248.1); c.1751A>G, p.Glu584Gly (NM_001367249.1, NM_001367250.1); c.1568A>G, p.Glu523Gly (NM_001367251.1); short protein forms E523G, E595G, E585G, E584G, E634G, E695G, E696G.
Identifiers: ClinVar variation 3016701 (VCV003016701.3), dbSNP rs2519757288, ClinGen allele CA412720098.